The following is an entry in ClinVar:

ClinVar aggregate classification (germline): Conflicting classifications of pathogenicity. Review status: criteria provided, conflicting classifications (1 of 4 stars). 2 submissions from 2 submitters: Uncertain significance (1); Likely benign (1). Last evaluated 2025-01-17.

Conditions:
Epileptic encephalopathy. Identifiers: MedGen C0543888, HP:0200134.

Allele frequency attached by ClinVar (database versions not stated): gnomAD 0.00002; TOPMed 0.00002.
gnomAD v4.1: 54 of 1,611,940 alleles (0.0034%); highest among the groups gnomAD compares: Non-Finnish European, 0.0041%; no homozygotes.

Submissions (2):

Ambry Genetics
Classification: Likely benign. Last evaluated: 2025-01-17. Review status: criteria provided, single submitter. Criteria: Ambry Variant Classification Scheme 2023. Collection method: clinical testing. Allele origin: germline.

Labcorp Genetics (formerly Invitae), Labcorp
Classification: Uncertain significance for Epileptic encephalopathy. Last evaluated: 2024-09-06. Review status: criteria provided, single submitter. Criteria: Invitae Variant Classification Sherloc (09022015). Collection method: clinical testing. Allele origin: germline.
Comment: This sequence change replaces threonine, which is neutral and polar, with methionine, which is neutral and non-polar, at codon 1123 of the FASN protein (p.Thr1123Met). This variant is present in population databases (rs760902072, gnomAD 0.006%). This variant has not been reported in the literature in individuals affected with FASN-related conditions. ClinVar contains an entry for this variant (Variation ID: 1360556). An algorithm developed to predict the effect of missense changes on protein structure and function outputs the following: PolyPhen-2: "Benign". The methionine amino acid residue is found in multiple mammalian species, which suggests that this missense change does not adversely affect protein function. In summary, the available evidence is currently insufficient to determine the role of this variant in disease. Therefore, it has been classified as a Variant of Uncertain Significance.

NM_004104.5(FASN):c.3368C>T (p.Thr1123Met)

Gene: FASN (fatty acid synthase; minus strand). Cytogenetic location: 17q25.3.
Variant type: single nucleotide variant.
Coding change: c.3368C>T on transcript NM_004104.5 (MANE Select); coding-DNA position 3368, C replaced by T.
Protein change: p.Thr1123Met; replaces threonine 1123 with methionine.
Molecular consequence: missense variant.
Genome position (GRCh38, 1-based): chr17:82,087,109, G>A on the plus strand (C>T on the coding strand, the complement: FASN is on the minus strand). VCF-style: chr17-82087109-G-A. GRCh37 (hg19) VCF-style: chr17-80044985-G-A.
Other names: c.3368C>T (NM_004104.4); short protein forms T1123M.
Identifiers: ClinVar variation 1360556 (VCV001360556.9), dbSNP rs760902072, ClinGen allele CA8852412.